The following is an entry in ClinVar:

NM_000256.3(MYBPC3):c.2559C>T (p.Gly853=)

Gene: MYBPC3 (myosin binding protein C3; minus strand). Cytogenetic location: 11p11.2.
Variant type: single nucleotide variant.
Coding change: c.2559C>T on transcript NM_000256.3 (MANE Select); coding-DNA position 2559, C replaced by T.
Protein change: p.Gly853=; no amino-acid change (glycine 853 retained).
Molecular consequence: synonymous variant.
Genome position (GRCh38, 1-based): chr11:47,337,434, G>A on the plus strand (C>T on the coding strand, the complement: MYBPC3 is on the minus strand). VCF-style: chr11-47337434-G-A. GRCh37 (hg19) VCF-style: chr11-47358985-G-A.
Identifiers: ClinVar variation 1435073 (VCV001435073.6), dbSNP rs2142855167, ClinGen allele CA474429551.

ClinVar aggregate classification (germline): Uncertain significance (1 of 4 stars; one submission).

Conditions:
Hypertrophic cardiomyopathy. Also called: HYPERTROPHIC MYOCARDIOPATHY. Identifiers: Orphanet 217569, MedGen C0007194, MeSH D002312, MONDO:0005045, HP:0001639.

Submission:

Labcorp Genetics (formerly Invitae), Labcorp
Classification: Uncertain significance for Hypertrophic cardiomyopathy. Last evaluated: 2025-10-30. Review status: criteria provided, single submitter. Criteria: Invitae Variant Classification Sherloc (09022015). Collection method: clinical testing. Allele origin: germline.
Comment: This sequence change affects codon 853 of the MYBPC3 mRNA. It is a 'silent' change, meaning that it does not change the encoded amino acid sequence of the MYBPC3 protein. This variant is not present in population databases (gnomAD no frequency). This variant has been observed in individual(s) with hypertrophic cardiomyopathy (PMID: 21750094). ClinVar contains an entry for this variant (Variation ID: 1435073). Algorithms developed to predict the effect of sequence changes on RNA splicing suggest that this variant may disrupt the consensus splice site. In summary, the available evidence is currently insufficient to determine the role of this variant in disease. Therefore, it has been classified as a Variant of Uncertain Significance.

Literature cited by the submitters: PubMed 21750094.